The following is an entry in ClinVar:

NM_021083.4(XK):c.815G>A (p.Ser272Asn)

Gene: XK (X-linked Kx blood group antigen, Kell and VPS13A binding protein; plus strand). Cytogenetic location: Xp21.1.
Variant type: single nucleotide variant.
Coding change: c.815G>A on transcript NM_021083.4 (MANE Select); coding-DNA position 815, G replaced by A.
Protein change: p.Ser272Asn; replaces serine 272 with asparagine.
Molecular consequence: missense variant.
Genome position (GRCh38, 1-based): chrX:37,727,942, G>A. VCF-style: chrX-37727942-G-A. GRCh37 (hg19) VCF-style: chrX-37587195-G-A.
Other names: short protein forms S272N.
Identifiers: ClinVar variation 4873784 (VCV004873784.2).

ClinVar aggregate classification (germline): Uncertain significance (1 of 4 stars; one submission).

gnomAD v4.1: 2 of 1,211,203 alleles (0.00017%); highest among the groups gnomAD compares: Non-Finnish European, 0.00022%; no homozygotes.

Submission:

CeGaT Center for Human Genetics Tuebingen
Classification: Uncertain significance. Last evaluated: 2026-04-01. Review status: criteria provided, single submitter. Criteria: CeGaT Center For Human Genetics Tuebingen Variant Classification Criteria Version 2. Collection method: clinical testing. Allele origin: germline. Affected: yes. Observed: 1 variant allele.
Comment: XK: PM2:Supporting